The following is an entry in ClinVar:

NM_004970.3(IGFALS):c.289C>T (p.Leu97Phe)

Gene: IGFALS (insulin like growth factor binding protein acid labile subunit; minus strand). Cytogenetic location: 16p13.3.
Variant type: single nucleotide variant.
Coding change: c.289C>T on transcript NM_004970.3 (MANE Select); coding-DNA position 289, C replaced by T.
Protein change: p.Leu97Phe; replaces leucine 97 with phenylalanine.
Molecular consequence: missense variant. On other transcripts: non-coding transcript variant (1).
Genome position (GRCh38, 1-based): chr16:1,792,129, G>A on the plus strand (C>T on the coding strand, the complement: IGFALS is on the minus strand). VCF-style: chr16-1792129-G-A. GRCh37 (hg19) VCF-style: chr16-1842130-G-A.
Other names: c.403C>T, p.Leu135Phe (NM_001146006.2); short protein forms L97F, L135F.
Identifiers: ClinVar variation 318262 (VCV000318262.14), dbSNP rs35947557, ClinGen allele CA7820631.

ClinVar aggregate classification (germline): Benign. Review status: criteria provided, multiple submitters, no conflicts (2 of 4 stars). 5 submissions from 5 submitters: Benign (4). 1 of the submissions does not count toward it. Last evaluated 2021-01-20.

Conditions:
Short stature due to primary acid-labile subunit deficiency. Also called: Acid-labile subunit deficiency; Acid-labile subunit, deficiency of. Identifiers: Orphanet 140941, MedGen C3900122, MONDO:0014420, OMIM 615961.
IGFALS-related disorder. Also called: IGFALS-related condition.

Allele frequency attached by ClinVar (database versions not stated): gnomAD exomes 0.00113 and 0.00484; gnomAD 0.00160 and 0.00205; TOPMed 0.00271; ExAC 0.00483; 1000 Genomes Project 30x 0.00968; 1000 Genomes Project 0.01058.
gnomAD v4.1: 2,108 of 1,611,552 alleles (0.13%); highest among the groups gnomAD compares: East Asian, 4.1%; 57 homozygotes.

Submissions (5):

GeneDx
Classification: Benign. Last evaluated: 2021-01-20. Review status: criteria provided, single submitter. Criteria: GeneDx Variant Classification Process June 2021. Collection method: clinical testing. Allele origin: germline. Affected: yes.

Labcorp Genetics (formerly Invitae), Labcorp
Classification: Benign. Last evaluated: 2019-12-31. Review status: criteria provided, single submitter. Criteria: Invitae Variant Classification Sherloc (09022015). Collection method: clinical testing. Allele origin: germline.

Illumina Laboratory Services, Illumina
Classification: Benign for Short stature due to primary acid-labile subunit deficiency. Last evaluated: 2018-01-13. Review status: criteria provided, single submitter. Criteria: ICSL Variant Classification Criteria 13 December 2019. Collection method: clinical testing. Allele origin: germline.
Comment: This variant was observed in the ICSL laboratory as part of a predisposition screen in an ostensibly healthy population. It had not been previously curated by ICSL or reported in the Human Gene Mutation Database (HGMD: prior to June 1st, 2018), and was therefore a candidate for classification through an automated scoring system. Utilizing variant allele frequency, disease prevalence and penetrance estimates, and inheritance mode, an automated score was calculated to assess if this variant is too frequent to cause the disease. Based on the score and internal cut-off values, a variant classified as benign is not then subjected to further curation. The score for this variant resulted in a classification of benign for this disease.

Breakthrough Genomics
Classification: Benign. Review status: criteria provided, single submitter. Criteria: ACMG Guidelines, 2015. Collection method: not provided. Allele origin: germline. Inheritance: Autosomal recessive inheritance. Affected: yes.

PreventionGenetics, part of Exact Sciences
Classification: Benign for IGFALS-related condition. Last evaluated: 2019-03-21. Review status: no assertion criteria provided. Collection method: clinical testing. Allele origin: germline. Not counted in ClinVar's aggregate classification.
Comment: This variant is classified as benign based on ACMG/AMP sequence variant interpretation guidelines (Richards et al. 2015 PMID: 25741868, with internal and published modifications).